The following is an entry in ClinVar:

NM_002599.5(PDE2A):c.681C>A (p.Asp227Glu)

Gene: PDE2A (phosphodiesterase 2A; minus strand). Cytogenetic location: 11q13.4.
Variant type: single nucleotide variant.
Coding change: c.681C>A on transcript NM_002599.5 (MANE Select); coding-DNA position 681, C replaced by A.
Protein change: p.Asp227Glu; replaces aspartic acid 227 with glutamic acid.
Molecular consequence: missense variant.
Genome position (GRCh38, 1-based): chr11:72,590,449, G>T on the plus strand (C>A on the coding strand, the complement: PDE2A is on the minus strand). VCF-style: chr11-72590449-G-T. GRCh37 (hg19) VCF-style: chr11-72301493-G-T.
Other names: c.660C>A, p.Asp220Glu (NM_001143839.4); c.654C>A, p.Asp218Glu (NM_001146209.3); c.618C>A, p.Asp206Glu (NM_001243784.2); short protein forms D206E, D218E, D220E, D227E.
Identifiers: ClinVar variation 1428234 (VCV001428234.8), dbSNP rs1397646566, ClinGen allele CA381765970.

ClinVar aggregate classification (germline): Uncertain significance (1 of 4 stars; one submission).

Allele frequency attached by ClinVar (database versions not stated): gnomAD exomes below 0.00001.
gnomAD v4.1: 3 of 1,552,618 alleles (0.00019%); highest among the groups gnomAD compares: Non-Finnish European, 0.00026%; no homozygotes.

Submission:

Labcorp Genetics (formerly Invitae), Labcorp
Classification: Uncertain significance. Last evaluated: 2021-05-18. Review status: criteria provided, single submitter. Criteria: Invitae Variant Classification Sherloc (09022015). Collection method: clinical testing. Allele origin: germline.
Comment: In summary, the available evidence is currently insufficient to determine the role of this variant in disease. Therefore, it has been classified as a Variant of Uncertain Significance. Algorithms developed to predict the effect of missense changes on protein structure and function are either unavailable or do not agree on the potential impact of this missense change (SIFT: "Deleterious"; PolyPhen-2: "Benign"; Align-GVGD: "Class C0"). This variant has not been reported in the literature in individuals with PDE2A-related conditions. This variant is not present in population databases (ExAC no frequency). This sequence change replaces aspartic acid with glutamic acid at codon 227 of the PDE2A protein (p.Asp227Glu). The aspartic acid residue is moderately conserved and there is a small physicochemical difference between aspartic acid and glutamic acid.